The following is an entry in ClinVar:

ClinVar aggregate classification (germline): Uncertain significance (1 of 4 stars; one submission).

Allele frequency attached by ClinVar (database versions not stated): ExAC 0.00007; ESP Exome Variant Server 0.00008; gnomAD 0.00009; TOPMed 0.00009; gnomAD exomes 0.00020.
gnomAD v4.1: 304 of 1,613,916 alleles (0.019%); highest among the groups gnomAD compares: Non-Finnish European, 0.025%; no homozygotes.

Submission:

Labcorp Genetics (formerly Invitae), Labcorp
Classification: Uncertain significance. Last evaluated: 2023-12-12. Review status: criteria provided, single submitter. Criteria: Invitae Variant Classification Sherloc (09022015). Collection method: clinical testing. Allele origin: germline.
Comment: This sequence change replaces glutamic acid, which is acidic and polar, with glutamine, which is neutral and polar, at codon 291 of the NNT protein (p.Glu291Gln). This variant is present in population databases (rs138514532, gnomAD 0.02%). This variant has not been reported in the literature in individuals affected with NNT-related conditions. An algorithm developed to predict the effect of missense changes on protein structure and function (PolyPhen-2) suggests that this variant is likely to be disruptive. In summary, the available evidence is currently insufficient to determine the role of this variant in disease. Therefore, it has been classified as a Variant of Uncertain Significance.

NM_182977.3(NNT):c.871G>C (p.Glu291Gln)

Gene: NNT (nicotinamide nucleotide transhydrogenase; plus strand). Cytogenetic location: 5p12.
Variant type: single nucleotide variant.
Coding change: c.871G>C on transcript NM_182977.3 (MANE Select); coding-DNA position 871, G replaced by C.
Protein change: p.Glu291Gln; replaces glutamic acid 291 with glutamine.
Molecular consequence: missense variant.
Genome position (GRCh38, 1-based): chr5:43,628,294, G>C. VCF-style: chr5-43628294-G-C. GRCh37 (hg19) VCF-style: chr5-43628396-G-C.
Other names: c.478G>C, p.Glu160Gln (NM_001331026.2); c.871G>C, p.Glu291Gln (NM_012343.4); short protein forms E291Q, E160Q.
Identifiers: ClinVar variation 2875116 (VCV002875116.3), dbSNP rs138514532, ClinGen allele CA3257838.